The following is an entry in ClinVar:

ClinVar aggregate classification (germline): Uncertain significance. Review status: criteria provided, multiple submitters, no conflicts (2 of 4 stars). 2 submissions from 2 submitters: Uncertain significance (2). Last evaluated 2026-01-08.

Conditions:
Inborn genetic diseases. Identifiers: MedGen C0950123, MeSH D030342.

Allele frequency attached by ClinVar (database versions not stated): gnomAD 0.00001; TOPMed 0.00001; gnomAD exomes 0.00003; ExAC 0.00001.
gnomAD v4.1: 42 of 1,614,046 alleles (0.0026%); highest among the groups gnomAD compares: Non-Finnish European, 0.0034%; no homozygotes.

Submissions (2):

Labcorp Genetics (formerly Invitae), Labcorp
Classification: Uncertain significance. Last evaluated: 2026-01-08. Review status: criteria provided, single submitter. Criteria: Invitae Variant Classification Sherloc (09022015). Collection method: clinical testing. Allele origin: germline.
Comment: This sequence change replaces alanine, which is neutral and non-polar, with valine, which is neutral and non-polar, at codon 202 of the HSPG2 protein (p.Ala202Val). This variant is present in population databases (rs779155319, gnomAD 0.002%). This variant has not been reported in the literature in individuals affected with HSPG2-related conditions. ClinVar contains an entry for this variant (Variation ID: 2374393). An algorithm developed to predict the effect of missense changes on protein structure and function (PolyPhen-2) suggests that this variant is likely to be tolerated. In summary, the available evidence is currently insufficient to determine the role of this variant in disease. Therefore, it has been classified as a Variant of Uncertain Significance.

Ambry Genetics
Classification: Uncertain significance for Inborn genetic diseases. Last evaluated: 2021-07-15. Review status: criteria provided, single submitter. Criteria: Ambry Variant Classification Scheme 2023. Collection method: clinical testing. Allele origin: germline.

NM_005529.7(HSPG2):c.605C>T (p.Ala202Val)

Gene: HSPG2 (heparan sulfate proteoglycan 2; minus strand). Cytogenetic location: 1p36.12.
Variant type: single nucleotide variant.
Coding change: c.605C>T on transcript NM_005529.7 (MANE Select); coding-DNA position 605, C replaced by T.
Protein change: p.Ala202Val; replaces alanine 202 with valine.
Molecular consequence: missense variant.
Genome position (GRCh38, 1-based): chr1:21,888,036, G>A on the plus strand (C>T on the coding strand, the complement: HSPG2 is on the minus strand). VCF-style: chr1-21888036-G-A. GRCh37 (hg19) VCF-style: chr1-22214529-G-A.
Other names: c.605C>T, p.Ala202Val (NM_001291860.2); short protein forms A202V.
Identifiers: ClinVar variation 2374393 (VCV002374393.3), dbSNP rs779155319, ClinGen allele CA673754.